The following is an entry in ClinVar:

NM_000051.4(ATM):c.5617T>C (p.Cys1873Arg)

Gene: ATM (ATM serine/threonine kinase; plus strand). Cytogenetic location: 11q22.3.
Variant type: single nucleotide variant.
Coding change: c.5617T>C on transcript NM_000051.4 (MANE Select); coding-DNA position 5617, T replaced by C.
Protein change: p.Cys1873Arg; replaces cysteine 1873 with arginine.
Molecular consequence: missense variant.
Genome position (GRCh38, 1-based): chr11:108,304,795, T>C. VCF-style: chr11-108304795-T-C. GRCh37 (hg19) VCF-style: chr11-108175522-T-C.
Other names: c.5617T>C, p.Cys1873Arg (NM_001351834.2); short protein forms C1873R.
Identifiers: ClinVar variation 3667269 (VCV003667269.2).

ClinVar aggregate classification (germline): Uncertain significance (1 of 4 stars; one submission).

Conditions:
Ataxia-telangiectasia syndrome (AT). Also called: LOUIS-BAR SYNDROME; ATAXIA-TELANGIECTASIA, COMPLEMENTATION GROUP A; ATAXIA-TELANGIECTASIA, FRESNO VARIANT; Ataxia-telangiectasia, complementation group D; AT, COMPLEMENTATION GROUP C; Ataxia-telangiectasia. Identifiers: Orphanet 100, MedGen C0004135, MONDO:0008840, OMIM 208900.

Submission:

Labcorp Genetics (formerly Invitae), Labcorp
Classification: Uncertain significance for Ataxia-telangiectasia syndrome. Last evaluated: 2024-09-09. Review status: criteria provided, single submitter. Criteria: Invitae Variant Classification Sherloc (09022015). Collection method: clinical testing. Allele origin: germline.
Comment: This sequence change replaces cysteine, which is neutral and slightly polar, with arginine, which is basic and polar, at codon 1873 of the ATM protein (p.Cys1873Arg). This variant is not present in population databases (gnomAD no frequency). This variant has not been reported in the literature in individuals affected with ATM-related conditions. An algorithm developed to predict the effect of missense changes on protein structure and function (PolyPhen-2) suggests that this variant is likely to be disruptive. In summary, the available evidence is currently insufficient to determine the role of this variant in disease. Therefore, it has been classified as a Variant of Uncertain Significance.